The following is an entry in ClinVar:

ClinVar aggregate classification (germline): Pathogenic (1 of 4 stars; one submission).

Conditions:
LAMA2-related muscular dystrophy (LAMA2-RD). Also called: Laminin alpha 2-related dystrophy. Identifiers: MedGen C5679788, MONDO:0100228.

Submission:

Labcorp Genetics (formerly Invitae), Labcorp
Classification: Pathogenic for LAMA2-related muscular dystrophy. Last evaluated: 2022-10-28. Review status: criteria provided, single submitter. Criteria: Invitae Variant Classification Sherloc (09022015). Collection method: clinical testing. Allele origin: germline.
Comment: This sequence change creates a premature translational stop signal (p.Asp2050Glufs*14) in the LAMA2 gene. It is expected to result in an absent or disrupted protein product. Loss-of-function variants in LAMA2 are known to be pathogenic (PMID: 18700894, 32904964). For these reasons, this variant has been classified as Pathogenic. ClinVar contains an entry for this variant (Variation ID: 863298). This variant has not been reported in the literature in individuals affected with LAMA2-related conditions. This variant is not present in population databases (gnomAD no frequency).

Literature cited by the submitters: PubMed 18700894; PubMed 32904964.

NM_000426.4(LAMA2):c.6150_6156del (p.Asp2050fs)

Genes: LAMA2 (laminin subunit alpha 2; plus strand), LOC123864065 (Sharpr-MPRA regulatory region 661; plus strand). Cytogenetic location: 6q22.33.
Variant type: Deletion.
Coding change: c.6150_6156del on transcript NM_000426.4 (MANE Select); coding-DNA positions 6150 to 6156, 7 bases deleted (TGTACTG; older notation c.6150_6156delTGTACTG).
Protein change: p.Asp2050fs; shifts the reading frame from aspartic acid 2050.
Molecular consequence: frameshift variant.
Genome position (GRCh38, 1-based): chr6:129,440,880-129,440,886, TGTACTG deleted. VCF-style (leftmost placement, unchanged base first): chr6-129440879-ATGTACTG-A. GRCh37 (hg19) VCF-style: chr6-129762024-ATGTACTG-A.
Other names: c.6150_6156del, p.Asp2050fs (NM_001079823.2); short protein forms D2050fs.
Identifiers: ClinVar variation 863298 (VCV000863298.8), dbSNP rs1782073790, ClinGen allele CA916081489.